The following is an entry in ClinVar:

ClinVar aggregate classification (germline): Conflicting classifications of pathogenicity. Review status: criteria provided, conflicting classifications (1 of 4 stars). 3 submissions from 3 submitters: Uncertain significance (1); Likely benign (1). 1 of the submissions does not count toward it. Last evaluated 2025-08-26.

Conditions:
Hereditary cancer-predisposing syndrome. Also called: Neoplastic Syndromes, Hereditary; Hereditary neoplastic syndrome; Tumor predisposition; Hereditary Cancer Syndrome. Identifiers: Orphanet 140162, MedGen C0027672, MeSH D009386, MONDO:0015356.
Familial cancer of breast. Also called: BREAST CANCER, FAMILIAL; Hereditary breast cancer; hereditary breast carcinoma. Identifiers: Orphanet 227535, MedGen C0346153, MONDO:0016419, OMIM 114480. Disease mechanism: loss of function.

Submissions (3):

Ambry Genetics
Classification: Uncertain significance for Hereditary cancer-predisposing syndrome. Last evaluated: 2025-08-26. Review status: criteria provided, single submitter. Criteria: Ambry Variant Classification Scheme 2023. Collection method: clinical testing. Allele origin: germline.
Comment: The p.T1051S variant (also known as c.3152C>G), located in coding exon 9 of the BRCA1 gene, results from a C to G substitution at nucleotide position 3152. The threonine at codon 1051 is replaced by serine, an amino acid with similar properties. This alteration was identified in a Thai family with multiple ovarian cancers. This family was also found to carry BRCA1 3300delA in cis based on family studies (Patmasiriwat P et al. Hum Mutat, 2002 Sep;20:230). Of note, this alteration is also known as 3271C>G in published literature. This amino acid position is well conserved in available vertebrate species. In addition, this alteration is predicted to be deleterious by in silico analysis. Since supporting evidence is limited at this time, the clinical significance of this alteration remains unclear.

University of Washington Department of Laboratory Medicine, University of Washington
Classification: Likely benign for Hereditary cancer-predisposing syndrome. Last evaluated: 2023-03-23. Review status: criteria provided, single submitter. Criteria: Dines et al. (Genet Med. 2020). Collection method: curation. Allele origin: germline.
Comment: Missense variant in a coldspot region where missense variants are very unlikely to be pathogenic (PMID:31911673).

BRCA1 coldspot (exon 11 using historical exon numbering). Reclassification based on statistical prior probability

ClinVar Staff, National Center for Biotechnology Information (NCBI)
No classification provided. Condition: Familial cancer of breast. Review status: no classification provided. Collection method: literature only. Allele origin: germline. Affected: yes. Not counted in ClinVar's aggregate classification.

Literature cited by the submitters: PubMed 12203997 (cited by Ambry Genetics and ClinVar Staff, National Center for Biotechnology Information (NCBI)).

NM_007294.4(BRCA1):c.3152C>G (p.Thr1051Ser)

Gene: BRCA1 (BRCA1 DNA repair associated; minus strand). Cytogenetic location: 17q21.31.
Variant type: single nucleotide variant.
Coding change: c.3152C>G on transcript NM_007294.4 (MANE Select); coding-DNA position 3152, C replaced by G.
Protein change: p.Thr1051Ser; replaces threonine 1051 with serine.
Molecular consequence: missense variant. On other transcripts: intron variant (137).
Genome position (GRCh38, 1-based): chr17:43,092,379, G>C on the plus strand (C>G on the coding strand, the complement: BRCA1 is on the minus strand). VCF-style: chr17-43092379-G-C. GRCh37 (hg19) VCF-style: chr17-41244396-G-C.
Other names: c.662-1347C>G (NM_001408432.1, NM_001408450.1, NM_001408434.1 and 6 more transcripts); c.668-1347C>G (NM_001408431.1, NM_001408424.1, NM_001408421.1); c.785-1347C>G (NM_001408407.1, NM_001408402.1, NM_001408473.1 and 13 more transcripts); c.665-1347C>G (NM_001408443.1, NM_001408439.1, NM_001408425.1 and 12 more transcripts); c.671-1347C>G (NM_001408419.1, NM_001408422.1, NM_001408418.1 and 2 more transcripts); c.788-1347C>G (NM_001408403.1, NM_001407983.1, NM_001407975.1 and 17 more transcripts); c.791-1356C>G (NM_001408406.1); c.647-1347C>G (NM_001408456.1, NM_001408410.1, NM_001408458.1 and 11 more transcripts); and 41 more; short protein forms T1051S, T1004S, T883S, T939S, T962S, T984S, T1003S, T1010S.
Identifiers: ClinVar variation 54781 (VCV000054781.7), dbSNP rs397509039, ClinGen allele CA002054.